The following is an entry in ClinVar:

ClinVar aggregate classification (germline): Uncertain significance (1 of 4 stars; one submission).

Submission:

GeneDx
Classification: Uncertain significance. Last evaluated: 2026-06-30. Review status: criteria provided, single submitter. Criteria: GeneDx Variant Classification Process June 2021. Collection method: clinical testing. Allele origin: germline.
Comment: Not observed at significant frequency in large population cohorts (gnomAD); In silico analysis suggests that this missense variant does not alter protein structure/function; Has not been previously published as pathogenic or benign to our knowledge

NM_006734.4(HIVEP2):c.4781T>C (p.Leu1594Pro)

Gene: HIVEP2 (HIVEP zinc finger 2; minus strand). Cytogenetic location: 6q24.2.
Variant type: single nucleotide variant.
Coding change: c.4781T>C on transcript NM_006734.4 (MANE Select); coding-DNA position 4781, T replaced by C.
Protein change: p.Leu1594Pro; replaces leucine 1594 with proline.
Molecular consequence: missense variant.
Genome position (GRCh38, 1-based): chr6:142,769,958, A>G on the plus strand (T>C on the coding strand, the complement: HIVEP2 is on the minus strand). VCF-style: chr6-142769958-A-G. GRCh37 (hg19) VCF-style: chr6-143091095-A-G.
Other names: short protein forms L1594P.
Identifiers: ClinVar variation 3369844 (VCV003369844.2).